The following is an entry in ClinVar:

ClinVar aggregate classification (germline): Likely benign (1 of 4 stars; one submission).

Submission:

Laboratory for Molecular Medicine, Mass General Brigham Personalized Medicine
Classification: Likely benign. Last evaluated: 2017-04-27. Review status: criteria provided, single submitter. Criteria: LMM Criteria. Collection method: clinical testing. Allele origin: germline. Observed: 1 variant allele.
Comment: p.Glu1527del in exon 37A of PCDH15: This variant is not expected to have clinica l significance due to a lack of conservation across species, including mammals. Of note, the glutamic acid (Glu) at position 1527 is deleted in >5 mammals despi te high nearby amino acid conservation.

NM_001384140.1(PCDH15):c.4671+1066_4671+1068del

Gene: PCDH15 (protocadherin related 15; minus strand). Cytogenetic location: 10q21.1.
Variant type: Microsatellite.
Coding change: c.4671+1066_4671+1068del on transcript NM_001384140.1 (MANE Select); bases 1066 to 1068 of the intron after coding-DNA position 4671, 3 bases deleted (GGA; older notation c.4671+1066_4671+1068delGGA).
Molecular consequence: intron variant. On other transcripts: inframe indel (1), inframe deletion (2).
Genome position (GRCh38, 1-based): chr10:53,809,488-53,809,490, TCC deleted on the plus strand (GGA on the coding strand, the reverse complement: PCDH15 is on the minus strand); deleting any 3 consecutive bases within chr10:53,809,488-53,809,495 gives the same sequence; the c. name uses the placement nearest the transcript's 3' end. VCF-style (leftmost placement, unchanged base first): chr10-53809487-TTCC-T. GRCh37 (hg19) VCF-style: chr10-55569247-TTCC-T.
Other names: c.4570_4572GAG[1], p.Glu1527del (NM_001142769.4); c.4607GGA[1], p.Arg1537del (NM_001142770.3); c.4551GGA[1], p.Glu1520del (NM_001354411.2); c.4476+1066_4476+1068del (NM_001354420.2); c.4605+1066_4605+1068del (NM_001354429.2); c.4482+1066_4482+1068del (NM_001142772.2); c.4497+1066_4497+1068del (NM_001142771.2); short protein forms E1527del, E1520del, R1537del.
Identifiers: ClinVar variation 517368 (VCV000517368.5), dbSNP rs1554815871, ClinGen allele CA658797425.
Genomic context (GRCh38, chr10:53,809,487, plus strand): 5'-CTTCCATGTTGTGTATGTAGGCTCAGCTGCTGGTGGTTTTTCGATAGTTACAACTACTTC[TTCC>T]TCCTCACTAGGCTCTCTAATTTCAACCTTTGGTTTTTTAATTTTCTTTGGCTCTTCCTGA-3'